The following is an entry in ClinVar:

ClinVar aggregate classification (germline): Uncertain significance (1 of 4 stars; one submission).

Allele frequency attached by ClinVar (database versions not stated): ExAC 0.00002; gnomAD 0.00002; TOPMed 0.00003.
gnomAD v4.1: 14 of 1,614,030 alleles (0.00087%); highest among the groups gnomAD compares: Non-Finnish European, 0.00076%; no homozygotes.

Submission:

Labcorp Genetics (formerly Invitae), Labcorp
Classification: Uncertain significance. Last evaluated: 2023-11-27. Review status: criteria provided, single submitter. Criteria: Invitae Variant Classification Sherloc (09022015). Collection method: clinical testing. Allele origin: germline.
Comment: This sequence change replaces arginine, which is basic and polar, with glutamine, which is neutral and polar, at codon 398 of the CLUAP1 protein (p.Arg398Gln). This variant is present in population databases (rs753872535, gnomAD 0.01%). This variant has not been reported in the literature in individuals affected with CLUAP1-related conditions. ClinVar contains an entry for this variant (Variation ID: 842615). Advanced modeling of protein sequence and biophysical properties (such as structural, functional, and spatial information, amino acid conservation, physicochemical variation, residue mobility, and thermodynamic stability) performed at Invitae indicates that this missense variant is not expected to disrupt CLUAP1 protein function with a negative predictive value of 80%. In summary, the available evidence is currently insufficient to determine the role of this variant in disease. Therefore, it has been classified as a Variant of Uncertain Significance.

NM_015041.3(CLUAP1):c.1193G>A (p.Arg398Gln)

Gene: CLUAP1 (clusterin associated protein 1; plus strand). Cytogenetic location: 16p13.3.
Variant type: single nucleotide variant.
Coding change: c.1193G>A on transcript NM_015041.3 (MANE Select); coding-DNA position 1193, G replaced by A.
Protein change: p.Arg398Gln; replaces arginine 398 with glutamine.
Molecular consequence: missense variant.
Genome position (GRCh38, 1-based): chr16:3,536,222, G>A. VCF-style: chr16-3536222-G-A. GRCh37 (hg19) VCF-style: chr16-3586222-G-A.
Other names: c.1250G>A, p.Arg417Gln (NM_001330454.2); c.695G>A, p.Arg232Gln (NM_024793.3); short protein forms R398Q, R417Q, R232Q.
Identifiers: ClinVar variation 842615 (VCV000842615.9), dbSNP rs753872535, ClinGen allele CA7864069.
Genomic context (GRCh38, chr16:3,536,222, plus strand): 5'-ATGACGAGGATGACGATTTGGAAGACGAGAGCATTTCTCTCTCACCAACCAAGCCCAATC[G>A]AAGGGTCCGGAAATCTGAACCCCTGGATGAGAGTGACAATGACTTCTGACCCTTTTGCCA-3'
Protein context (NP_055856.1, residues 388-408): SISLSPTKPN[Arg398Gln]RVRKSEPLDE